The following is an entry in ClinVar:

NM_006642.5(SDCCAG8):c.784G>C (p.Glu262Gln)

Gene: SDCCAG8 (SHH signaling and ciliogenesis regulator SDCCAG8; plus strand). Cytogenetic location: 1q43.
Variant type: single nucleotide variant.
Coding change: c.784G>C on transcript NM_006642.5 (MANE Select); coding-DNA position 784, G replaced by C.
Protein change: p.Glu262Gln; replaces glutamic acid 262 with glutamine.
Molecular consequence: missense variant. On other transcripts: 5 prime UTR variant (3).
Genome position (GRCh38, 1-based): chr1:243,308,032, G>C. VCF-style: chr1-243308032-G-C. GRCh37 (hg19) VCF-style: chr1-243471334-G-C.
Other names: c.-120G>C (NM_001350246.2, NM_001350247.2, NM_001350251.2); c.880G>C, p.Glu294Gln (NM_001350248.2); c.490G>C, p.Glu164Gln (NM_001350249.2); c.784G>C (NM_006642.3); short protein forms E262Q, E164Q, E294Q.
Identifiers: ClinVar variation 1042937 (VCV001042937.8), dbSNP rs149038104, ClinGen allele CA1483448.

ClinVar aggregate classification (germline): Uncertain significance. Review status: criteria provided, multiple submitters, no conflicts (2 of 4 stars). 3 submissions from 3 submitters: Uncertain significance (2). 1 of the submissions does not count toward it. Last evaluated 2023-07-17.

Conditions:
SDCCAG8-related disorder. Also called: SDCCAG8-Related Disorders; SDCCAG8-related condition.
Senior-Loken syndrome 7 (SLSN7). Identifiers: Orphanet 3156, MedGen C3150877, MONDO:0013326, OMIM 613615.
Bardet-Biedl syndrome 16 (BBS16). Identifiers: Orphanet 110, MedGen C3889474, MONDO:0014444, OMIM 615993.

Allele frequency attached by ClinVar (database versions not stated): TOPMed 0.00006; gnomAD 0.00007 and 0.00009; ESP Exome Variant Server 0.00008; 1000 Genomes Project 30x 0.00031; 1000 Genomes Project 0.00040.
gnomAD v4.1: 20 of 1,614,122 alleles (0.0012%); highest among the groups gnomAD compares: African/African-American, 0.021%; no homozygotes.

Submissions (3):

Labcorp Genetics (formerly Invitae), Labcorp
Classification: Uncertain significance for Bardet-Biedl syndrome 16; Senior-Loken syndrome 7. Last evaluated: 2023-07-17. Review status: criteria provided, single submitter. Criteria: Invitae Variant Classification Sherloc (09022015). Collection method: clinical testing. Allele origin: germline.
Comment: Advanced modeling of protein sequence and biophysical properties (such as structural, functional, and spatial information, amino acid conservation, physicochemical variation, residue mobility, and thermodynamic stability) performed at Invitae indicates that this missense variant is not expected to disrupt SDCCAG8 protein function. In summary, the available evidence is currently insufficient to determine the role of this variant in disease. Therefore, it has been classified as a Variant of Uncertain Significance. ClinVar contains an entry for this variant (Variation ID: 1042937). This variant has not been reported in the literature in individuals affected with SDCCAG8-related conditions. This variant is present in population databases (rs149038104, gnomAD 0.03%). This sequence change replaces glutamic acid, which is acidic and polar, with glutamine, which is neutral and polar, at codon 262 of the SDCCAG8 protein (p.Glu262Gln).

Fulgent Genetics
Classification: Uncertain significance for Senior-Loken syndrome 7; Bardet-Biedl syndrome 16. Last evaluated: 2022-03-04. Review status: criteria provided, single submitter. Criteria: ACMG Guidelines, 2015. Collection method: clinical testing. Allele origin: unknown.

PreventionGenetics, part of Exact Sciences
Classification: Uncertain significance for SDCCAG8-related condition. Last evaluated: 2024-09-23. Review status: no assertion criteria provided. Collection method: clinical testing. Allele origin: germline. Not counted in ClinVar's aggregate classification.
Comment: The SDCCAG8 c.784G>C variant is predicted to result in the amino acid substitution p.Glu262Gln. To our knowledge, this variant has not been reported in the literature. This variant is reported in 0.025% of alleles in individuals of African descent in gnomAD. At this time, the clinical significance of this variant is uncertain due to the absence of conclusive functional and genetic evidence.